The following is an entry in ClinVar:

NM_007194.4(CHEK2):c.1492del (p.Leu498fs)

Gene: CHEK2 (checkpoint kinase 2; minus strand). Cytogenetic location: 22q12.1.
Variant type: Deletion.
Coding change: c.1492del on transcript NM_007194.4 (MANE Select); coding-DNA position 1492, one base deleted (C; older notation c.1492delC).
Protein change: p.Leu498fs; shifts the reading frame from leucine 498.
Molecular consequence: frameshift variant.
Genome position (GRCh38, 1-based): chr22:28,689,185, G deleted on the plus strand (C on the coding strand, the reverse complement: CHEK2 is on the minus strand). VCF-style (leftmost placement, unchanged base first): chr22-28689184-AG-A. GRCh37 (hg19) VCF-style: chr22-29085172-AG-A.
Other names: c.1492delC (NM_007194.3); c.1621delC, p.Leu541Phefs (NM_001005735.3); c.829delC, p.Leu277Phefs (NM_001257387.3); c.1291delC, p.Leu431Phefs (NM_001349956.3); c.1405delC, p.Leu469Phefs (NM_145862.3); short protein forms L277fs, L469fs, L541fs, L431fs, L498fs.
Identifiers: ClinVar variation 920745 (VCV000920745.14), dbSNP rs2052245881, ClinGen allele CA913189015.

ClinVar aggregate classification (germline): Pathogenic/Likely pathogenic. Review status: criteria provided, multiple submitters, no conflicts (2 of 4 stars). 4 submissions from 4 submitters: Pathogenic (2); Likely pathogenic (2). Last evaluated 2025-03-02.

Conditions:
Hereditary cancer-predisposing syndrome. Also called: Neoplastic Syndromes, Hereditary; Tumor predisposition; Hereditary Cancer Syndrome; Hereditary neoplastic syndrome. Identifiers: Orphanet 140162, MedGen C0027672, MeSH D009386, MONDO:0015356.
Familial cancer of breast. Also called: BREAST CANCER, FAMILIAL; Hereditary breast cancer; hereditary breast carcinoma. Identifiers: Orphanet 227535, MedGen C0346153, MONDO:0016419, OMIM 114480. Disease mechanism: loss of function.

Submissions (4):

Ambry Genetics
Classification: Likely pathogenic for Hereditary cancer-predisposing syndrome. Last evaluated: 2025-03-02. Review status: criteria provided, single submitter. Criteria: Ambry Variant Classification Scheme 2023. Collection method: clinical testing. Allele origin: germline.
Comment: The c.1492delC variant, located in coding exon 13 of the CHEK2 gene, results from a deletion of one nucleotide at nucleotide position 1492, causing a translational frameshift with a predicted alternate stop codon (p.L498Ffs*15). This alteration occurs at the 3' terminus of the CHEK2 gene, is not expected to trigger nonsense-mediated mRNA decay, and only impacts the last 8.5% of the protein. However, premature stop codons are typically deleterious in nature and the impacted region is critical for protein function (Ambry internal data). Based on the majority of available evidence to date, this variant is likely to be pathogenic.

Labcorp Genetics (formerly Invitae), Labcorp
Classification: Likely pathogenic for Familial cancer of breast. Last evaluated: 2024-12-22. Review status: criteria provided, single submitter. Criteria: Invitae Variant Classification Sherloc (09022015). Collection method: clinical testing. Allele origin: germline.
Comment: This sequence change creates a premature translational stop signal (p.Leu498Phefs*15) in the CHEK2 gene. While this is not anticipated to result in nonsense mediated decay, it is expected to disrupt the last 46 amino acid(s) of the CHEK2 protein. This variant is not present in population databases (gnomAD no frequency). This variant has not been reported in the literature in individuals affected with CHEK2-related conditions. ClinVar contains an entry for this variant (Variation ID: 920745). This variant disrupts the nuclear localization signal (NLS) of the CHEK2 protein, which is critical for proper nuclear localization (PMID: 18004398, 12909615). While functional studies have not been performed to directly test the effect of this variant on CHEK2 protein function, this suggests that disruption of this region of the protein is causative of disease. In summary, the currently available evidence indicates that the variant is pathogenic, but additional data are needed to prove that conclusively. Therefore, this variant has been classified as Likely Pathogenic.

Myriad Genetics, Inc.
Classification: Pathogenic for Familial cancer of breast. Last evaluated: 2023-06-29. Review status: criteria provided, single submitter. Criteria: Myriad Autosomal Dominant, Autosomal Recessive and X-Linked Classification Criteria (2023). Collection method: clinical testing. Allele origin: unknown.
Comment: This variant is considered pathogenic. This variant creates a frameshift predicted to result in premature protein truncation.

Color Diagnostics, LLC DBA Color Health
Classification: Pathogenic for Hereditary cancer-predisposing syndrome. Last evaluated: 2020-01-15. Review status: criteria provided, single submitter. Criteria: ACMG Guidelines, 2015. Collection method: clinical testing. Allele origin: germline.
Comment: This variant deletes 1 nucleotide in exon 14 of the CHEK2 gene, creating a frameshift and premature translation stop signal. This variant is expected to result in an absent or non-functional protein product. This variant has not been identified in the general population by the Genome Aggregation Database (gnomAD). Loss of CHEK2 function is a known mechanism of disease. Based on the available evidence, this variant is classified as Pathogenic.

Literature cited by the submitters: PubMed 18004398 (cited by Labcorp Genetics (formerly Invitae), Labcorp); PubMed 12909615 (cited by Labcorp Genetics (formerly Invitae), Labcorp).